The following is an entry in ClinVar:

ClinVar aggregate classification (germline): Uncertain significance (1 of 4 stars; one submission).

Conditions:
Autosomal dominant limb-girdle muscular dystrophy type 1G (LGMDD3). Also called: Limb-girdle muscular dystrophy, type 1G; MUSCULAR DYSTROPHY, LIMB-GIRDLE, AUTOSOMAL DOMINANT 3. Identifiers: Orphanet 55596, MedGen C1836765, MONDO:0012193, OMIM 609115.

gnomAD v4.1: 6 of 1,480,190 alleles (0.00041%); highest among the groups gnomAD compares: South Asian, 0.0013%; no homozygotes.

Submission:

Labcorp Genetics (formerly Invitae), Labcorp
Classification: Uncertain significance for Limb-girdle muscular dystrophy, type 1G. Last evaluated: 2018-03-27. Review status: criteria provided, single submitter. Criteria: Invitae Variant Classification Sherloc (09022015). Collection method: clinical testing. Allele origin: germline.
Comment: This sequence change replaces glutamine with leucine at codon 52 of the HNRNPDL protein (p.Gln52Leu). The glutamine residue is moderately conserved and there is a moderate physicochemical difference between glutamine and leucine. While this variant is not present in population databases, the frequency information is unreliable, as metrics indicate poor data quality at this position in the ExAC database. This variant has not been reported in the literature in individuals with HNRNPDL-related disease. Algorithms developed to predict the effect of missense changes on protein structure and function do not agree on the potential impact of this missense change (SIFT: "Deleterious"; PolyPhen-2: "Benign"; Align-GVGD: "Class C0"). In summary, the available evidence is currently insufficient to determine the role of this variant in disease. Therefore, it has been classified as a Variant of Uncertain Significance.

NM_031372.4(HNRNPDL):c.155A>T (p.Gln52Leu)

Gene: HNRNPDL (heterogeneous nuclear ribonucleoprotein D like; minus strand). Cytogenetic location: 4q21.22.
Variant type: single nucleotide variant.
Coding change: c.155A>T on transcript NM_031372.4 (MANE Select); coding-DNA position 155, A replaced by T.
Protein change: p.Gln52Leu; replaces glutamine 52 with leucine.
Molecular consequence: missense variant. On other transcripts: non-coding transcript variant (1).
Genome position (GRCh38, 1-based): chr4:82,429,536, T>A on the plus strand (A>T on the coding strand, the complement: HNRNPDL is on the minus strand). VCF-style: chr4-82429536-T-A. GRCh37 (hg19) VCF-style: chr4-83350689-T-A.
Other names: c.155A>T, p.Gln52Leu (NM_001207000.1); short protein forms Q52L.
Identifiers: ClinVar variation 569226 (VCV000569226.1), dbSNP rs763638263, ClinGen allele CA357172943.